The following is an entry in ClinVar:

ClinVar aggregate classification (germline): Uncertain significance (1 of 4 stars; one submission).

Conditions:
Von Hippel-Lindau syndrome (VHLS). Also called: VHL syndrome; Von Hippel-Lindau; von Hippel–Lindau syndrome. Identifiers: Orphanet 892, MedGen C0019562, MONDO:0008667, OMIM 193300. Disease mechanism: loss of function.
Chuvash polycythemia. Also called: POLYCYTHEMIA, VHL-DEPENDENT. Identifiers: Orphanet 238557, MedGen C1837915, MONDO:0009892, OMIM 263400.

Submission:

Labcorp Genetics (formerly Invitae), Labcorp
Classification: Uncertain significance for Von Hippel-Lindau syndrome; Chuvash polycythemia. Last evaluated: 2020-11-11. Review status: criteria provided, single submitter. Criteria: Invitae Variant Classification Sherloc (09022015). Collection method: clinical testing. Allele origin: germline.
Comment: This sequence change falls in intron 1 of the VHL gene. It is not expected to change the encoded amino acid sequence of the VHL protein. However, this sequence change falls within a cryptic exon in the VHL gene, known as exon E1’, which is naturally expressed at low levels in several human tissues. The frequency data for this variant in the population databases is considered unreliable, as metrics indicate insufficient coverage at this position in the ExAC database. This variant has not been reported in the literature in individuals with VHL-related conditions. ClinVar contains an entry for this variant (Variation ID: 940688). Experimental studies and prediction algorithms are not available or were not evaluated, and the functional significance of this variant is currently unknown. In summary, the available evidence is currently insufficient to determine the role of this variant in disease. Therefore, it has been classified as a Variant of Uncertain Significance.

NM_000551.4(VHL):c.340+760T>C

Genes: VHL (von Hippel-Lindau tumor suppressor; plus strand), LOC107303340 (3p25 von Hippel-Lindau tumor suppressor, E3 ubiquitin protein ligase Alu-mediated recombination region; plus strand). Cytogenetic location: 3p25.3.
Variant type: single nucleotide variant.
Coding change: c.340+760T>C on transcript NM_000551.4 (MANE Select); 760 bases into the intron after coding-DNA position 340, T replaced by C.
Molecular consequence: intron variant. On other transcripts: synonymous variant (1).
Genome position (GRCh38, 1-based): chr3:10,142,947, T>C. VCF-style: chr3-10142947-T-C. GRCh37 (hg19) VCF-style: chr3-10184631-T-C.
Other names: c.525T>C, p.Gly175= (NM_001354723.2); c.340+760T>C (NM_198156.3).
Identifiers: ClinVar variation 940688 (VCV000940688.10), dbSNP rs1696163288, ClinGen allele CA1139655745.
Genomic context (GRCh38, chr3:10,142,947, plus strand): 5'-CGACCGTGTGTGGCGTGGGAAATTGACTTACCTGCCTGCTGGGAGATGGAGGGGTTGCGG[T>C]TGTGTGGTTTCAGTTAAGGAGCACTTCCCGGAGAAGGAAGAGAGCAGGATGGAGTAGGAA-3'